The following is an entry in ClinVar:

NM_005689.4(ABCB6):c.1913G>A (p.Arg638His)

Gene: ABCB6 (ATP binding cassette subfamily B member 6 (LAN blood group); minus strand). Cytogenetic location: 2q35.
Variant type: single nucleotide variant.
Coding change: c.1913G>A on transcript NM_005689.4 (MANE Select); coding-DNA position 1913, G replaced by A.
Protein change: p.Arg638His; replaces arginine 638 with histidine.
Molecular consequence: missense variant.
Genome position (GRCh38, 1-based): chr2:219,212,442, C>T on the plus strand (G>A on the coding strand, the complement: ABCB6 is on the minus strand). VCF-style: chr2-219212442-C-T. GRCh37 (hg19) VCF-style: chr2-220077164-C-T.
Other names: c.1775G>A, p.Arg592His (NM_001349828.2); short protein forms R592H, R638H.
Identifiers: ClinVar variation 3607052 (VCV003607052.2).
Genomic context (GRCh38, chr2:219,212,442, plus strand): 5'-CCTACCTGTGAAATGTCCTGCCCATCTATTCGGATGCAGCCAGAGCTGATGTCGTAGAAG[C>T]GAAACAGCAGGCGCAAAATTGTGCTCTTCCCTGCCCCAGATGGGCCCACCTGTTGCATTG-3'
Protein context (NP_005680.1, residues 628-648): GKSTILRLLF[Arg638His]FYDISSGCIR

ClinVar aggregate classification (germline): Uncertain significance (1 of 4 stars; one submission).

Submission:

Labcorp Genetics (formerly Invitae), Labcorp
Classification: Uncertain significance. Last evaluated: 2024-06-24. Review status: criteria provided, single submitter. Criteria: Invitae Variant Classification Sherloc (09022015). Collection method: clinical testing. Allele origin: germline.
Comment: This sequence change replaces arginine, which is basic and polar, with histidine, which is basic and polar, at codon 638 of the ABCB6 protein (p.Arg638His). This variant is present in population databases (rs774582031, gnomAD 0.006%). This variant has not been reported in the literature in individuals affected with ABCB6-related conditions. An algorithm developed to predict the effect of missense changes on protein structure and function (PolyPhen-2) suggests that this variant is likely to be disruptive. In summary, the available evidence is currently insufficient to determine the role of this variant in disease. Therefore, it has been classified as a Variant of Uncertain Significance.